The following is an entry in ClinVar:

ClinVar aggregate classification (germline): Uncertain significance (1 of 4 stars; one submission).

Conditions:
Hereditary cancer-predisposing syndrome. Also called: Neoplastic Syndromes, Hereditary; Tumor predisposition; Hereditary Cancer Syndrome; Hereditary neoplastic syndrome. Identifiers: Orphanet 140162, MedGen C0027672, MeSH D009386, MONDO:0015356.

Submission:

Ambry Genetics
Classification: Uncertain significance for Hereditary cancer-predisposing syndrome. Last evaluated: 2026-03-22. Review status: criteria provided, single submitter. Criteria: Ambry Variant Classification Scheme 2023. Collection method: clinical testing. Allele origin: germline.
Comment: The p.L481P variant (also known as c.1442T>C), located in coding exon 14 of the POLE gene, results from a T to C substitution at nucleotide position 1442. The leucine at codon 481 is replaced by proline, an amino acid with similar properties. This amino acid position is conserved. In addition, this alteration is predicted to be deleterious by in silico analysis. Based on the available evidence, the clinical significance of this variant remains unclear.

NM_006231.4(POLE):c.1442T>C (p.Leu481Pro)

Gene: POLE (DNA polymerase epsilon, catalytic subunit; minus strand). Cytogenetic location: 12q24.33.
Variant type: single nucleotide variant.
Coding change: c.1442T>C on transcript NM_006231.4 (MANE Select); coding-DNA position 1442, T replaced by C.
Protein change: p.Leu481Pro; replaces leucine 481 with proline.
Molecular consequence: missense variant.
Genome position (GRCh38, 1-based): chr12:132,673,195, A>G on the plus strand (T>C on the coding strand, the complement: POLE is on the minus strand). VCF-style: chr12-132673195-A-G. GRCh37 (hg19) VCF-style: chr12-133249781-A-G.
Other names: short protein forms L481P.
Identifiers: ClinVar variation 4862247 (VCV004862247.1).